The following is an entry in ClinVar:

ClinVar aggregate classification (germline): Uncertain significance (1 of 4 stars; one submission).

Submission:

Labcorp Genetics (formerly Invitae), Labcorp
Classification: Uncertain significance. Last evaluated: 2025-08-27. Review status: criteria provided, single submitter. Criteria: Invitae Variant Classification Sherloc (09022015). Collection method: clinical testing. Allele origin: germline.
Comment: This sequence change replaces glycine, which is neutral and non-polar, with serine, which is neutral and polar, at codon 1097 of the JAK1 protein (p.Gly1097Ser). This variant is not present in population databases (gnomAD no frequency). This variant has not been reported in the literature in individuals affected with JAK1-related conditions. Invitae Evidence Modeling of protein sequence and biophysical properties (such as structural, functional, and spatial information, amino acid conservation, physicochemical variation, residue mobility, and thermodynamic stability) indicates that this missense variant is not expected to disrupt JAK1 protein function with a negative predictive value of 80%. In summary, the available evidence is currently insufficient to determine the role of this variant in disease. Therefore, it has been classified as a Variant of Uncertain Significance.

NM_002227.4(JAK1):c.3289G>A (p.Gly1097Ser)

Gene: JAK1 (Janus kinase 1; minus strand). Cytogenetic location: 1p31.3.
Variant type: single nucleotide variant.
Coding change: c.3289G>A on transcript NM_002227.4 (MANE Select); coding-DNA position 3289, G replaced by A.
Protein change: p.Gly1097Ser; replaces glycine 1097 with serine.
Molecular consequence: missense variant.
Genome position (GRCh38, 1-based): chr1:64,835,476, C>T on the plus strand (G>A on the coding strand, the complement: JAK1 is on the minus strand). VCF-style: chr1-64835476-C-T. GRCh37 (hg19) VCF-style: chr1-65301159-C-T.
Other names: c.3289G>A, p.Gly1097Ser (NM_001320923.2, NM_001321852.2, NM_001321853.2 and 3 more transcripts); c.3286G>A, p.Gly1096Ser (NM_001321857.2); short protein forms G1096S, G1097S.
Identifiers: ClinVar variation 4732355 (VCV004732355.1).
Genomic context (GRCh38, chr1:64,835,476, plus strand): 5'-GGCACGGCAGGCGTTTTCCTTCTTTTAACGTATTCACAAGTCTTGTGACTGTCATCTGGC[C>T]ATGGGTTGGGCCTATCATTTTCAGGAACAACTATATAAAATAAAATCAAACAAAACGTTT-3'
Protein context (NP_002218.2, residues 1087-1107): LFLKMIGPTH[Gly1097Ser]QMTVTRLVNT